The following is an entry in ClinVar:

NM_000260.4(MYO7A):c.6295G>C (p.Ala2099Pro)

Gene: MYO7A (myosin VIIA; plus strand). Cytogenetic location: 11q13.5.
Variant type: single nucleotide variant.
Coding change: c.6295G>C on transcript NM_000260.4 (MANE Select); coding-DNA position 6295, G replaced by C.
Protein change: p.Ala2099Pro; replaces alanine 2099 with proline.
Molecular consequence: missense variant.
Genome position (GRCh38, 1-based): chr11:77,211,878, G>C. VCF-style: chr11-77211878-G-C. GRCh37 (hg19) VCF-style: chr11-76922923-G-C.
Other names: c.6181G>C, p.Ala2061Pro (NM_001127180.2); c.6148G>C, p.Ala2050Pro (NM_001369365.1); short protein forms A2050P, A2061P, A2099P.
Identifiers: ClinVar variation 1469966 (VCV001469966.6), dbSNP rs1957908916, ClinGen allele CA381936553.

ClinVar aggregate classification (germline): Uncertain significance (1 of 4 stars; one submission).

Allele frequency attached by ClinVar (database versions not stated): TOPMed below 0.00001; gnomAD 0.00001.
gnomAD v4.1: 1 of 1,613,866 alleles (0.000062%); highest among the groups gnomAD compares: Admixed American, 0.0017%; no homozygotes.

Submission:

Labcorp Genetics (formerly Invitae), Labcorp
Classification: Uncertain significance. Last evaluated: 2023-12-11. Review status: criteria provided, single submitter. Criteria: Invitae Variant Classification Sherloc (09022015). Collection method: clinical testing. Allele origin: germline.
Comment: This sequence change replaces alanine, which is neutral and non-polar, with proline, which is neutral and non-polar, at codon 2099 of the MYO7A protein (p.Ala2099Pro). This variant is not present in population databases (gnomAD no frequency). This variant has not been reported in the literature in individuals affected with MYO7A-related conditions. ClinVar contains an entry for this variant (Variation ID: 1469966). Advanced modeling of protein sequence and biophysical properties (such as structural, functional, and spatial information, amino acid conservation, physicochemical variation, residue mobility, and thermodynamic stability) performed at Invitae indicates that this missense variant is not expected to disrupt MYO7A protein function with a negative predictive value of 95%. In summary, the available evidence is currently insufficient to determine the role of this variant in disease. Therefore, it has been classified as a Variant of Uncertain Significance.